The following is an entry in ClinVar:

ClinVar aggregate classification (germline): Uncertain significance (1 of 4 stars; one submission).

gnomAD v4.1: 67 of 754,644 alleles (0.0089%); highest among the groups gnomAD compares: Admixed American, 0.028%; no homozygotes.

Submission:

Ambry Genetics
Classification: Uncertain significance. Last evaluated: 2026-08-12. Review status: criteria provided, single submitter. Criteria: Ambry Variant Classification Scheme 2023. Collection method: clinical testing. Allele origin: germline.
Comment: The c.478A>G (p.K160E) alteration is located in exon 6 (coding exon 6) of the RPL14 gene. This alteration results from a A to G substitution at nucleotide position 478, causing the lysine (K) at amino acid position 160 to be replaced by a glutamic acid (E). Based on data from gnomAD, the G allele has an overall frequency of 0.029% (27/94084) total alleles studied. The highest observed frequency was 0.069% (22/31846) of European (non-Finnish) alleles. Based on insufficient or conflicting evidence, the clinical significance of this alteration remains unclear.

NM_001034996.3(RPL14):c.478A>G (p.Lys160Glu)

Gene: RPL14 (ribosomal protein L14; plus strand). Cytogenetic location: 3p22.1.
Variant type: single nucleotide variant.
Coding change: c.478A>G on transcript NM_001034996.3 (MANE Select); coding-DNA position 478, A replaced by G.
Protein change: p.Lys160Glu; replaces lysine 160 with glutamic acid.
Molecular consequence: missense variant.
Genome position (GRCh38, 1-based): chr3:40,462,062, A>G. VCF-style: chr3-40462062-A-G. GRCh37 (hg19) VCF-style: chr3-40503553-A-G.
Other names: c.478A>G, p.Lys160Glu (NM_003973.5); short protein forms K160E.
Identifiers: ClinVar variation 5028415 (VCV005028415.1).